The following is an entry in ClinVar:

ClinVar aggregate classification (germline): Uncertain significance (1 of 4 stars; one submission).

Conditions:
Generalized epilepsy with febrile seizures plus, type 9 (GEFSP9). Also called: GEFS+, TYPE 9. Identifiers: Orphanet 36387, MedGen C4015395, MONDO:0014517, OMIM 616172.

Allele frequency attached by ClinVar (database versions not stated): gnomAD exomes below 0.00001.
gnomAD v4.1: 1 of 1,614,144 alleles (0.000062%); highest among the groups gnomAD compares: Admixed American, 0.0017%; no homozygotes.

Submission:

Labcorp Genetics (formerly Invitae), Labcorp
Classification: Uncertain significance for Generalized epilepsy with febrile seizures plus, type 9. Last evaluated: 2022-08-29. Review status: criteria provided, single submitter. Criteria: Invitae Variant Classification Sherloc (09022015). Collection method: clinical testing. Allele origin: germline.
Comment: In summary, the available evidence is currently insufficient to determine the role of this variant in disease. Therefore, it has been classified as a Variant of Uncertain Significance. Algorithms developed to predict the effect of missense changes on protein structure and function are either unavailable or do not agree on the potential impact of this missense change (SIFT: "Deleterious"; PolyPhen-2: "Possibly Damaging"; Align-GVGD: "Class C0"). This variant has not been reported in the literature in individuals affected with STX1B-related conditions. This variant is not present in population databases (gnomAD no frequency). This sequence change replaces serine, which is neutral and polar, with glycine, which is neutral and non-polar, at codon 207 of the STX1B protein (p.Ser207Gly).

NM_052874.5(STX1B):c.619A>G (p.Ser207Gly)

Gene: STX1B (syntaxin 1B; minus strand). Cytogenetic location: 16p11.2.
Variant type: single nucleotide variant.
Coding change: c.619A>G on transcript NM_052874.5 (MANE Select); coding-DNA position 619, A replaced by G.
Protein change: p.Ser207Gly; replaces serine 207 with glycine.
Molecular consequence: missense variant.
Genome position (GRCh38, 1-based): chr16:30,993,403, T>C on the plus strand (A>G on the coding strand, the complement: STX1B is on the minus strand). VCF-style: chr16-30993403-T-C. GRCh37 (hg19) VCF-style: chr16-31004724-T-C.
Other names: short protein forms S207G.
Identifiers: ClinVar variation 1718286 (VCV001718286.5), dbSNP rs2543954905, ClinGen allele CA395647278.